The following is an entry in ClinVar:

NM_001267550.2(TTN):c.105748C>A (p.Pro35250Thr)

Genes: TTN (titin; minus strand), TTN-AS1 (TTN antisense RNA 1; plus strand), LOC129935183 (ATAC-STARR-seq lymphoblastoid active region 16808; plus strand). Cytogenetic location: 2q31.2.
Variant type: single nucleotide variant.
Coding change: c.105748C>A on transcript NM_001267550.2 (MANE Select); coding-DNA position 105748, C replaced by A.
Protein change: p.Pro35250Thr; replaces proline 35250 with threonine.
Molecular consequence: missense variant.
Genome position (GRCh38, 1-based): chr2:178,530,867, G>T on the plus strand (C>A on the coding strand, the complement: TTN is on the minus strand). VCF-style: chr2-178530867-G-T. GRCh37 (hg19) VCF-style: chr2-179395594-G-T.
Other names: c.100825C>A, p.Pro33609Thr (NM_001256850.1); c.78553C>A, p.Pro26185Thr (NM_003319.4); c.98044C>A, p.Pro32682Thr (NM_133378.4); c.78928C>A, p.Pro26310Thr (NM_133432.3); c.79129C>A, p.Pro26377Thr (NM_133437.4); short protein forms P26377T, P33609T, P26310T, P32682T, P35250T, P26185T.
Identifiers: ClinVar variation 2938190 (VCV002938190.3), dbSNP rs1688822241, ClinGen allele CA349407892.

ClinVar aggregate classification (germline): Uncertain significance (1 of 4 stars; one submission).

Conditions:
Dilated cardiomyopathy 1G (CMD1G). Identifiers: Orphanet 154, MedGen C1858763, MONDO:0011400, OMIM 604145.
Autosomal recessive limb-girdle muscular dystrophy type 2J (LGMDR10). Also called: Limb-girdle muscular dystrophy, type 2J; MUSCULAR DYSTROPHY, LIMB-GIRDLE, AUTOSOMAL RECESSIVE 10. Identifiers: Orphanet 140922, MedGen C1837342, MONDO:0012127, OMIM 608807.

Allele frequency attached by ClinVar (database versions not stated): gnomAD exomes below 0.00001; gnomAD 0.00001.
gnomAD v4.1: 3 of 1,613,682 alleles (0.00019%); highest among the groups gnomAD compares: Non-Finnish European, 0.00025%; no homozygotes.

Submission:

Labcorp Genetics (formerly Invitae), Labcorp
Classification: Uncertain significance for Dilated cardiomyopathy 1G; Autosomal recessive limb-girdle muscular dystrophy type 2J. Last evaluated: 2024-02-11. Review status: criteria provided, single submitter. Criteria: Invitae Variant Classification Sherloc (09022015). Collection method: clinical testing. Allele origin: germline.
Comment: This sequence change replaces proline, which is neutral and non-polar, with threonine, which is neutral and polar, at codon 35250 of the TTN protein (p.Pro35250Thr). This variant is not present in population databases (gnomAD no frequency). This variant has not been reported in the literature in individuals affected with TTN-related conditions. Experimental studies and prediction algorithms are not available or were not evaluated, and the functional significance of this variant is currently unknown. This variant is located in the M band of TTN (PMID: 25589632). Non-truncating variants in this region may be relevant for neuromuscular disorders, but have not been definitively shown to cause cardiomyopathy (PMID: 23975875). In summary, the available evidence is currently insufficient to determine the role of this variant in disease. Therefore, it has been classified as a Variant of Uncertain Significance.

Literature cited by the submitters: PubMed 25589632; PubMed 23975875.